The following is an entry in ClinVar:

NM_005676.5(RBM10):c.2514C>T (p.Tyr838=)

Gene: RBM10 (RNA binding motif protein 10; plus strand). Cytogenetic location: Xp11.3.
Variant type: single nucleotide variant.
Coding change: c.2514C>T on transcript NM_005676.5 (MANE Select); coding-DNA position 2514, C replaced by T.
Protein change: p.Tyr838=; no amino-acid change (tyrosine 838 retained).
Molecular consequence: synonymous variant.
Genome position (GRCh38, 1-based): chrX:47,186,148, C>T. VCF-style: chrX-47186148-C-T. GRCh37 (hg19) VCF-style: chrX-47045547-C-T.
Other names: c.2283C>T, p.Tyr761= (NM_001204466.2); c.2511C>T, p.Tyr837= (NM_001204467.2); c.2709C>T, p.Tyr903= (NM_001204468.2); c.2280C>T, p.Tyr760= (NM_152856.3).
Identifiers: ClinVar variation 1939847 (VCV001939847.28), dbSNP rs781920661, ClinGen allele CA10395480.

ClinVar aggregate classification (germline): Likely benign. Review status: criteria provided, multiple submitters, no conflicts (2 of 4 stars). 2 submissions from 2 submitters: Likely benign (2). Last evaluated 2025-05-17.

Allele frequency attached by ClinVar (database versions not stated): gnomAD exomes 0.00003; ExAC 0.00004.
gnomAD v4.1: 29 of 1,212,564 alleles (0.0024%); highest among the groups gnomAD compares: Admixed American, 0.0043%; no homozygotes.

Submissions (2):

Labcorp Genetics (formerly Invitae), Labcorp
Classification: Likely benign. Last evaluated: 2025-05-17. Review status: criteria provided, single submitter. Criteria: Invitae Variant Classification Sherloc (09022015). Collection method: clinical testing. Allele origin: germline.

CeGaT Center for Human Genetics Tuebingen
Classification: Likely benign. Last evaluated: 2023-11-01. Review status: criteria provided, single submitter. Criteria: CeGaT Center For Human Genetics Tuebingen Variant Classification Criteria Version 2. Collection method: clinical testing. Allele origin: germline. Affected: yes. Observed: 1 variant allele.
Comment: RBM10: BP4, BP7